The following is an entry in ClinVar:

ClinVar aggregate classification (germline): Pathogenic (1 of 4 stars; one submission).

Conditions:
Hereditary cancer-predisposing syndrome. Also called: Neoplastic Syndromes, Hereditary; Tumor predisposition; Hereditary Cancer Syndrome; Hereditary neoplastic syndrome. Identifiers: Orphanet 140162, MedGen C0027672, MeSH D009386, MONDO:0015356.

Allele frequency attached by ClinVar (database versions not stated): gnomAD exomes below 0.00001.
gnomAD v4.1: 1 of 1,612,896 alleles (0.000062%); highest among the groups gnomAD compares: South Asian, 0.0011%; no homozygotes.

Submission:

Ambry Genetics
Classification: Pathogenic for Hereditary cancer-predisposing syndrome. Last evaluated: 2022-02-24. Review status: criteria provided, single submitter. Criteria: Ambry Variant Classification Scheme 2023. Collection method: clinical testing. Allele origin: germline.
Comment: The p.E702* variant (also known as c.2104G>T), located in coding exon 14 of the BRIP1 gene, results from a G to T substitution at nucleotide position 2104. This changes the amino acid from a glutamic acid to a stop codon within coding exon 14. This variant is considered to be rare based on population cohorts in the Genome Aggregation Database (gnomAD). This alteration is expected to result in loss of function by premature protein truncation or nonsense-mediated mRNA decay. As such, this alteration is interpreted as a disease-causing mutation.

NM_032043.3(BRIP1):c.2104G>T (p.Glu702Ter)

Gene: BRIP1 (BRCA1 interacting DNA helicase 1; minus strand). Cytogenetic location: 17q23.2.
Variant type: single nucleotide variant.
Coding change: c.2104G>T on transcript NM_032043.3 (MANE Select); coding-DNA position 2104, G replaced by T.
Protein change: p.Glu702Ter; replaces glutamic acid 702 with a stop codon.
Molecular consequence: nonsense.
Genome position (GRCh38, 1-based): chr17:61,744,585, C>A on the plus strand (G>T on the coding strand, the complement: BRIP1 is on the minus strand). VCF-style: chr17-61744585-C-A. GRCh37 (hg19) VCF-style: chr17-59821946-C-A.
Other names: short protein forms E702*.
Identifiers: ClinVar variation 1785967 (VCV001785967.2), dbSNP rs1555591547, ClinGen allele CA400483410.
Genomic context (GRCh38, chr17:61,744,585, plus strand): 5'-TCTTCACCAACTCCAGATTATGCCATAAACCAGTAGAGAGCCAACGTTCTTTTAATTTTT[C>A]TAATAACTAAAGAGGGGAAAGAAAAAAATGATTTTTTGTGTGTCTAGCTAAACAAACTTA-3'